The following is an entry in ClinVar:

NM_000088.4(COL1A1):c.358C>T (p.Arg120Ter)

Gene: COL1A1 (collagen type I alpha 1 chain; minus strand). Cytogenetic location: 17q21.33.
Variant type: single nucleotide variant.
Coding change: c.358C>T on transcript NM_000088.4 (MANE Select); coding-DNA position 358, C replaced by T.
Protein change: p.Arg120Ter; replaces arginine 120 with a stop codon.
Molecular consequence: nonsense.
Genome position (GRCh38, 1-based): chr17:50,199,429, G>A on the plus strand (C>T on the coding strand, the complement: COL1A1 is on the minus strand). VCF-style: chr17-50199429-G-A. GRCh37 (hg19) VCF-style: chr17-48276790-G-A.
Other names: p.Arg120*; short protein forms R120*.
Identifiers: ClinVar variation 803438 (VCV000803438.18), dbSNP rs762979302, ClinGen allele CA400227637.

ClinVar aggregate classification (germline): Pathogenic. Review status: criteria provided, multiple submitters, no conflicts (2 of 4 stars). 7 submissions from 7 submitters: Pathogenic (7). Last evaluated 2025-06-25.

Conditions:
COL1A1-related disorder. Also called: COL1A1- related disease; COL1A1-related condition.
Osteogenesis imperfecta type I (OI1). Also called: Lobstein disease; OI, TYPE I; OSTEOGENESIS IMPERFECTA TARDA; OSTEOGENESIS IMPERFECTA WITH BLUE SCLERAE; Classic Non-deforming Osteogenesis Imperfecta with Blue Sclerae; Osteogenesis imperfecta type 1. Identifiers: Orphanet 216796, Orphanet 666, MedGen C0023931, MONDO:0008146, OMIM 166200. Disease mechanism: loss of function.

Submissions (7):

3billion
Classification: Pathogenic for COL1A1-related disorder. Last evaluated: 2025-06-25. Review status: criteria provided, single submitter. Criteria: ACMG Guidelines, 2015. Collection method: clinical testing. Allele origin: germline. Affected: yes.
Comment: The variant is not observed in the gnomAD v4.1.0 dataset. Predicted Consequence/Location: Stop-gained (nonsense): predicted to result in a loss or disruption of normal protein function through nonsense-mediated decay (NMD) or protein truncation. Multiple pathogenic variants are reported downstream of the variant. The variant has been reported at least twice as pathogenic with clinical assertions and evidence for the classification (ClinVar ID: VCV000803438 /PMID: 27509835 /3billion dataset). Therefore, this variant is classified as Pathogenic according to the recommendation of ACMG/AMP guideline.

Dasa
Classification: Pathogenic. Last evaluated: 2025-06-16. Review status: criteria provided, single submitter. Criteria: DASA Assertion Criteria. Collection method: clinical testing. Allele origin: germline.
Comment: NM_000088.4(COL1A1):c.358C>T (p.Arg120*) introduces a premature termination codon predicted to result in loss of normal protein function. Loss-of-function is an established mechanism of disease for this gene. This variant has been reported in individuals with related phenotype (PMID: 27509835). The variant is present at low frequency in population datasets. Based on the available data, this variant is classified as pathogenic.

Labcorp Genetics (formerly Invitae), Labcorp
Classification: Pathogenic for Osteogenesis imperfecta type I. Last evaluated: 2025-05-30. Review status: criteria provided, single submitter. Criteria: Invitae Variant Classification Sherloc (09022015). Collection method: clinical testing. Allele origin: germline.
Comment: This sequence change creates a premature translational stop signal (p.Arg120*) in the COL1A1 gene. It is expected to result in an absent or disrupted protein product. Loss-of-function variants in COL1A1 are known to be pathogenic (PMID: 7942841, 9295084, 9443882). This variant is not present in population databases (gnomAD no frequency). This premature translational stop signal has been observed in individual(s) with osteogenesis imperfecta type I (PMID: 27509835). ClinVar contains an entry for this variant (Variation ID: 803438). For these reasons, this variant has been classified as Pathogenic.

Mayo Clinic Laboratories, Mayo Clinic
Classification: Pathogenic. Last evaluated: 2025-05-20. Review status: criteria provided, single submitter. Criteria: ACMG Guidelines, 2015. Collection method: clinical testing. Allele origin: germline. Observed: 1 variant allele.
Comment: PM2_supporting, PM6, PVS1

GeneDx
Classification: Pathogenic. Last evaluated: 2025-04-23. Review status: criteria provided, single submitter. Criteria: GeneDx Variant Classification Process June 2021. Collection method: clinical testing. Allele origin: germline.
Comment: Not observed at significant frequency in large population cohorts (gnomAD); Nonsense variant predicted to result in protein truncation or nonsense mediated decay in a gene for which loss of function is a known mechanism of disease; This variant is associated with the following publications: (PMID: 37270749, 30715774, 35052464, 27509835)

Mendelics
Classification: Pathogenic for Osteogenesis imperfecta type I. Last evaluated: 2019-05-28. Review status: criteria provided, single submitter. Criteria: Mendelics Assertion Criteria 2017. Collection method: clinical testing. Allele origin: unknown.

Blueprint Genetics
Classification: Pathogenic for COL1A1-related disorders. Last evaluated: 2018-07-09. Review status: criteria provided, single submitter. Criteria: ACMG Guidelines, 2015. Collection method: clinical testing. Allele origin: germline. Affected: yes. Observed: 2 variant alleles.

Literature cited by the submitters: PubMed 27509835 (cited by 4 submitters); PubMed 7942841 (cited by Labcorp Genetics (formerly Invitae), Labcorp); PubMed 9295084 (cited by Labcorp Genetics (formerly Invitae), Labcorp); PubMed 9443882 (cited by Labcorp Genetics (formerly Invitae), Labcorp); PubMed 35052464 (cited by Mayo Clinic Laboratories, Mayo Clinic); PubMed 37270749 (cited by Mayo Clinic Laboratories, Mayo Clinic); PubMed 38702915 (cited by Mayo Clinic Laboratories, Mayo Clinic).